The following is an entry in ClinVar:

ClinVar aggregate classification (germline): Uncertain significance (1 of 4 stars; one submission).

Conditions:
Catecholaminergic polymorphic ventricular tachycardia 1. Also called: RYR2-Related Catecholaminergic Polymorphic Ventricular Tachycardia; VENTRICULAR TACHYCARDIA, CATECHOLAMINERGIC POLYMORPHIC, 1, WITH OR WITHOUT ATRIAL DYSFUNCTION AND/OR DILATED CARDIOMYOPATHY; VENTRICULAR TACHYCARDIA, STRESS-INDUCED POLYMORPHIC 1. Identifiers: Orphanet 3286, MedGen C1631597, MONDO:0011484, OMIM 604772.

Submission:

Labcorp Genetics (formerly Invitae), Labcorp
Classification: Uncertain significance for Catecholaminergic polymorphic ventricular tachycardia 1. Last evaluated: 2022-07-18. Review status: criteria provided, single submitter. Criteria: Invitae Variant Classification Sherloc (09022015). Collection method: clinical testing. Allele origin: germline.
Comment: ClinVar contains an entry for this variant (Variation ID: 1381669). In summary, the available evidence is currently insufficient to determine the role of this variant in disease. Therefore, it has been classified as a Variant of Uncertain Significance. Advanced modeling of protein sequence and biophysical properties (such as structural, functional, and spatial information, amino acid conservation, physicochemical variation, residue mobility, and thermodynamic stability) performed at Invitae indicates that this missense variant is expected to disrupt RYR2 protein function. This variant has not been reported in the literature in individuals affected with RYR2-related conditions. This variant is not present in population databases (gnomAD no frequency). This sequence change replaces alanine, which is neutral and non-polar, with proline, which is neutral and non-polar, at codon 3160 of the RYR2 protein (p.Ala3160Pro).

NM_001035.3(RYR2):c.9478G>C (p.Ala3160Pro)

Gene: RYR2 (ryanodine receptor 2; plus strand). Cytogenetic location: 1q43.
Variant type: single nucleotide variant.
Coding change: c.9478G>C on transcript NM_001035.3 (MANE Select); coding-DNA position 9478, G replaced by C.
Protein change: p.Ala3160Pro; replaces alanine 3160 with proline.
Molecular consequence: missense variant.
Genome position (GRCh38, 1-based): chr1:237,705,241, G>C. VCF-style: chr1-237705241-G-C. GRCh37 (hg19) VCF-style: chr1-237868541-G-C.
Other names: short protein forms A3160P.
Identifiers: ClinVar variation 1381669 (VCV001381669.7), dbSNP rs1444464397, ClinGen allele CA345407523.